The following is an entry in ClinVar:

ClinVar aggregate classification (germline): Benign/Likely benign. Review status: criteria provided, multiple submitters, no conflicts (2 of 4 stars). 6 submissions from 6 submitters: Benign (1); Likely benign (5). Last evaluated 2025-12-14.

Conditions:
Cardiovascular phenotype. Identifiers: MedGen CN230736.
Cardiac arrhythmia. Also called: Cardiac rhythm disease; Arrhythmia. Identifiers: MedGen C0003811, MONDO:0007263, HP:0011675.
Long QT syndrome (LQTS). Identifiers: MedGen C0023976, MeSH D008133, MONDO:0002442. Disease mechanism: loss of function. Inheritance: Various modes of inheritance.

Allele frequency attached by ClinVar (database versions not stated): gnomAD 0.00002; ExAC 0.00003; gnomAD exomes 0.00003; TOPMed 0.00003.
gnomAD v4.1: 54 of 1,613,996 alleles (0.0033%); highest among the groups gnomAD compares: East Asian, 0.029%; no homozygotes.

Submissions (6):

Labcorp Genetics (formerly Invitae), Labcorp
Classification: Likely benign for Long QT syndrome. Last evaluated: 2025-12-14. Review status: criteria provided, single submitter. Criteria: Invitae Variant Classification Sherloc (09022015). Collection method: clinical testing. Allele origin: germline.

All of Us Research Program, National Institutes of Health
Classification: Likely benign for Long QT syndrome. Last evaluated: 2023-10-27. Review status: criteria provided, single submitter. Criteria: ACMG Guidelines, 2015. Collection method: clinical testing. Allele origin: germline. Inheritance: Autosomal dominant inheritance. Observed: 3 variant alleles, 3 heterozygotes.
Comment: This study involves interpretation of variants in research participants for the purpose of population health screening. Participant phenotype was not available at the time of variant classification. Additional details can be found in publication PMID: 35346344, PMCID: PMC8962531

Ambry Genetics
Classification: Likely benign for Cardiovascular phenotype. Last evaluated: 2021-11-29. Review status: criteria provided, single submitter. Criteria: Ambry Variant Classification Scheme 2023. Collection method: clinical testing. Allele origin: germline.

Blueprint Genetics
Classification: Likely benign. Last evaluated: 2021-08-11. Review status: criteria provided, single submitter. Criteria: ACMG Guidelines, 2015. Collection method: clinical testing. Allele origin: germline.

Color Diagnostics, LLC DBA Color Health
Classification: Likely benign for Cardiac arrhythmia. Last evaluated: 2021-03-16. Review status: criteria provided, single submitter. Criteria: ACMG Guidelines, 2015. Collection method: clinical testing. Allele origin: germline.

GeneDx
Classification: Benign. Last evaluated: 2015-03-03. Review status: criteria provided, single submitter. Criteria: GeneDx Variant Classification Process June 2021. Collection method: clinical testing. Allele origin: germline. Affected: yes.

NM_000238.4(KCNH2):c.351C>T (p.Asn117=)

Gene: KCNH2 (potassium voltage-gated channel subfamily H member 2; minus strand). Cytogenetic location: 7q36.1.
Variant type: single nucleotide variant.
Coding change: c.351C>T on transcript NM_000238.4 (MANE Select); coding-DNA position 351, C replaced by T.
Protein change: p.Asn117=; no amino-acid change (asparagine 117 retained).
Molecular consequence: synonymous variant. On other transcripts: non-coding transcript variant (1).
Genome position (GRCh38, 1-based): chr7:150,959,693, G>A on the plus strand (C>T on the coding strand, the complement: KCNH2 is on the minus strand). VCF-style: chr7-150959693-G-A. GRCh37 (hg19) VCF-style: chr7-150656781-G-A.
Other names: c.63C>T, p.Asn21= (NM_001406753.1, NM_001406756.1); c.174C>T, p.Asn58= (NM_001406755.1); c.51C>T, p.Asn17= (NM_001406757.1); c.351C>T, p.Asn117= (NM_172056.3); c.351C>T (NM_000238.2).
Identifiers: ClinVar variation 413344 (VCV000413344.22), dbSNP rs757132095, ClinGen allele CA039159.